The following is an entry in ClinVar:

NM_006950.3(SYN1):c.523G>A (p.Val175Met)

Gene: SYN1 (synapsin I; minus strand). Cytogenetic location: Xp11.23.
Variant type: single nucleotide variant.
Coding change: c.523G>A on transcript NM_006950.3 (MANE Select); coding-DNA position 523, G replaced by A.
Protein change: p.Val175Met; replaces valine 175 with methionine.
Molecular consequence: missense variant.
Genome position (GRCh38, 1-based): chrX:47,606,949, C>T on the plus strand (G>A on the coding strand, the complement: SYN1 is on the minus strand). VCF-style: chrX-47606949-C-T. GRCh37 (hg19) VCF-style: chrX-47466348-C-T.
Other names: c.523G>A, p.Val175Met (NM_133499.2); short protein forms V175M.
Identifiers: ClinVar variation 2010979 (VCV002010979.5), dbSNP rs749217541, ClinGen allele CA10398724.

ClinVar aggregate classification (germline): Conflicting classifications of pathogenicity. Review status: criteria provided, conflicting classifications (1 of 4 stars). 2 submissions from 2 submitters: Uncertain significance (1); Likely benign (1). Last evaluated 2024-06-11.

Conditions:
Inborn genetic diseases. Identifiers: MedGen C0950123, MeSH D030342.
Epilepsy, X-linked 1, with variable learning disabilities and behavior disorders. Also called: X-linked epilepsy-learning disabilities-behavior disorders syndrome. Identifiers: Orphanet 85294, MedGen C5774177, MONDO:0010339, OMIM 300491.

Allele frequency attached by ClinVar (database versions not stated): ExAC 0.00001.
gnomAD v4.1: 5 of 1,208,652 alleles (0.00041%); highest among the groups gnomAD compares: Admixed American, 0.0022%; no homozygotes.

Submissions (2):

Ambry Genetics
Classification: Likely benign for Inborn genetic diseases. Last evaluated: 2024-06-11. Review status: criteria provided, single submitter. Criteria: Ambry Variant Classification Scheme 2023. Collection method: clinical testing. Allele origin: germline.

Labcorp Genetics (formerly Invitae), Labcorp
Classification: Uncertain significance for Epilepsy, X-linked 1, with variable learning disabilities and behavior disorders. Last evaluated: 2022-07-11. Review status: criteria provided, single submitter. Criteria: Invitae Variant Classification Sherloc (09022015). Collection method: clinical testing. Allele origin: germline.
Comment: In summary, the available evidence is currently insufficient to determine the role of this variant in disease. Therefore, it has been classified as a Variant of Uncertain Significance. Algorithms developed to predict the effect of missense changes on protein structure and function output the following: SIFT: "Tolerated"; PolyPhen-2: "Benign"; Align-GVGD: "Class C0". The methionine amino acid residue is found in multiple mammalian species, which suggests that this missense change does not adversely affect protein function. This variant has not been reported in the literature in individuals affected with SYN1-related conditions. The frequency data for this variant in the population databases is considered unreliable, as metrics indicate poor data quality at this position in the gnomAD database. This sequence change replaces valine, which is neutral and non-polar, with methionine, which is neutral and non-polar, at codon 175 of the SYN1 protein (p.Val175Met).